The following is an entry in ClinVar:

ClinVar aggregate classification (germline): Likely benign (1 of 4 stars; one submission).

Allele frequency attached by ClinVar (database versions not stated): gnomAD 0.00119.
gnomAD v4.1: 133 of 112,894 alleles (0.12%); highest among the groups gnomAD compares: Non-Finnish European, 0.21%; 11 homozygotes.

Submission:

CeGaT Center for Human Genetics Tuebingen
Classification: Likely benign. Last evaluated: 2023-05-01. Review status: criteria provided, single submitter. Criteria: CeGaT Center For Human Genetics Tuebingen Variant Classification Criteria Version 2. Collection method: clinical testing. Allele origin: germline. Affected: yes. Observed: 2 variant alleles.
Comment: CHMP1A: BS2

NM_002768.5(CHMP1A):c.252+965T>G

Gene: CHMP1A (charged multivesicular body protein 1A; minus strand). Cytogenetic location: 16q24.3.
Variant type: single nucleotide variant.
Coding change: c.252+965T>G on transcript NM_002768.5 (MANE Select); 965 bases into the intron after coding-DNA position 252, T replaced by G.
Molecular consequence: intron variant.
Genome position (GRCh38, 1-based): chr16:89,648,386, A>C on the plus strand (T>G on the coding strand, the complement: CHMP1A is on the minus strand). VCF-style: chr16-89648386-A-C. GRCh37 (hg19) VCF-style: chr16-89714794-A-C.
Other names: c.232+965T>G (NM_001083314.4).
Identifiers: ClinVar variation 2647122 (VCV002647122.24), dbSNP rs1289782542, ClinGen allele CA497176605.